The following is an entry in ClinVar:

NM_001271938.2(MEGF8):c.7327C>T (p.Arg2443Cys)

Gene: MEGF8 (multiple EGF like domains 8; plus strand). Cytogenetic location: 19q13.2.
Variant type: single nucleotide variant.
Coding change: c.7327C>T on transcript NM_001271938.2 (MANE Select); coding-DNA position 7327, C replaced by T.
Protein change: p.Arg2443Cys; replaces arginine 2443 with cysteine.
Molecular consequence: missense variant.
Genome position (GRCh38, 1-based): chr19:42,375,564, C>T. VCF-style: chr19-42375564-C-T. GRCh37 (hg19) VCF-style: chr19-42879716-C-T.
Other names: c.7126C>T, p.Arg2376Cys (NM_001410.3); short protein forms R2376C, R2443C.
Identifiers: ClinVar variation 2575801 (VCV002575801.2), dbSNP rs766886630, ClinGen allele CA9476150.

ClinVar aggregate classification (germline): Uncertain significance. Review status: criteria provided, single submitter (1 of 4 stars). 2 submissions from 2 submitters: Uncertain significance (1). 1 of the submissions does not count toward it. Last evaluated 2023-02-13.

Conditions:
MEGF8-related Carpenter syndrome. Also called: Carpenter syndrome 2. Identifiers: Orphanet 65759, MedGen C3554247, MONDO:0013998, OMIM 614976.

Allele frequency attached by ClinVar (database versions not stated): gnomAD exomes below 0.00001; gnomAD 0.00002; TOPMed 0.00002.
gnomAD v4.1: 4 of 1,595,596 alleles (0.00025%); highest among the groups gnomAD compares: African/African-American, 0.0027%; no homozygotes.

Submissions (2):

GeneDx
Classification: Uncertain significance. Last evaluated: 2023-02-13. Review status: criteria provided, single submitter. Criteria: GeneDx Variant Classification Process June 2021. Collection method: clinical testing. Allele origin: germline. Affected: yes.
Comment: In silico analysis supports that this missense variant has a deleterious effect on protein structure/function; Has not been previously published as pathogenic or benign to our knowledge

Wilkie Group, Clinical Genetics Lab, WIMM, University of Oxford
Classification: Uncertain significance for MEGF8-related Carpenter syndrome. Review status: no assertion criteria provided. Collection method: research. Allele origin: germline. Affected: yes. Not counted in ClinVar's aggregate classification.